The following is an entry in ClinVar:

ClinVar aggregate classification (germline): Benign/Likely benign. Review status: criteria provided, multiple submitters, no conflicts (2 of 4 stars). 6 submissions from 6 submitters: Benign (3); Likely benign (2). 1 of the submissions does not count toward it. Last evaluated 2026-01-18.

Conditions:
KIDINS220-related disorder. Also called: KIDINS220-related condition.

Allele frequency attached by ClinVar (database versions not stated): 1000 Genomes Project 30x 0.00031; 1000 Genomes Project 0.00040; TOPMed 0.00157; gnomAD 0.00160 and 0.00162; ExAC 0.00162; gnomAD exomes 0.00162; ESP Exome Variant Server 0.00211.
gnomAD v4.1: 3,586 of 1,603,606 alleles (0.22%); highest among the groups gnomAD compares: Non-Finnish European, 0.29%; 9 homozygotes.

Submissions (8):

Labcorp Genetics (formerly Invitae), Labcorp
Classification: Likely benign. Last evaluated: 2026-01-18. Review status: criteria provided, single submitter. Criteria: Invitae Variant Classification Sherloc (09022015). Collection method: clinical testing. Allele origin: germline.

CeGaT Center for Human Genetics Tuebingen
Classification: Benign. Last evaluated: 2025-07-01. Review status: criteria provided, single submitter. Criteria: CeGaT Center For Human Genetics Tuebingen Variant Classification Criteria Version 2. Collection method: clinical testing. Allele origin: germline. Affected: yes. Observed: 4 variant alleles.
Comment: KIDINS220: BS1, BS2

Blueprint Genetics
Classification: Likely benign. Last evaluated: 2024-11-13. Review status: criteria provided, single submitter. Criteria: ACMG Guidelines, 2015. Collection method: clinical testing. Allele origin: germline.

Mayo Clinic Laboratories, Mayo Clinic
Classification: Benign. Last evaluated: 2023-07-26. Review status: criteria provided, single submitter. Criteria: ACMG Guidelines, 2015. Collection method: clinical testing. Allele origin: germline. Observed: 2 variant alleles.
Comment: BS1, BS2, BP4, BP7

Genetic Services Laboratory, University of Chicago
Classification: Benign. Last evaluated: 2019-03-08. Review status: criteria provided, single submitter. Criteria: ACMG Guidelines, 2015. Collection method: clinical testing. Allele origin: germline. Affected: no.

PreventionGenetics, part of Exact Sciences
Classification: Likely benign for KIDINS220-related condition. Last evaluated: 2023-11-01. Review status: no assertion criteria provided. Collection method: clinical testing. Allele origin: germline. Not counted in ClinVar's aggregate classification.
Comment: This variant is classified as likely benign based on ACMG/AMP sequence variant interpretation guidelines (Richards et al. 2015 PMID: 25741868, with internal and published modifications).

Dr. Peter K. Rogan Lab, Western University
No classification provided (evidence only). Condition: Gastric cancer. Review status: no classification provided. Collection method: in vitro. Allele origin: not applicable. Functional consequence: retained intron. Not counted in ClinVar's aggregate classification.

Dr. Peter K. Rogan Lab, Western University
No classification provided (evidence only). Condition: Malignant tumor of esophagus. Review status: no classification provided. Collection method: in vitro. Allele origin: not applicable. Functional consequence: retained intron. Not counted in ClinVar's aggregate classification.

NM_020738.4(KIDINS220):c.3459C>T (p.Gly1153=)

Gene: KIDINS220 (kinase D interacting substrate 220; minus strand). Cytogenetic location: 2p25.1.
Variant type: single nucleotide variant.
Coding change: c.3459C>T on transcript NM_020738.4 (MANE Select); coding-DNA position 3459, C replaced by T.
Protein change: p.Gly1153=; no amino-acid change (glycine 1153 retained).
Molecular consequence: synonymous variant. On other transcripts: non-coding transcript variant (1), intron variant (8).
Genome position (GRCh38, 1-based): chr2:8,747,956, G>A on the plus strand (C>T on the coding strand, the complement: KIDINS220 is on the minus strand). VCF-style: chr2-8747956-G-A. GRCh37 (hg19) VCF-style: chr2-8888086-G-A.
Other names: p.Gly1153=; c.3462C>T, p.Gly1154= (NM_001348729.2, NM_001348731.2); c.3459C>T, p.Gly1153= (NM_001348732.2, NM_001348738.2); c.3414+2156C>T (NM_001348741.2, NM_001348742.2, NM_001348743.2 and 1 more transcripts); c.3417+2156C>T (NM_001348739.2, NM_001348740.2, NM_001348734.2); c.3288+2156C>T (NM_001348736.2).
Identifiers: ClinVar variation 731302 (VCV000731302.40), dbSNP rs199913532, ClinGen allele CA1519643.